The following is an entry in ClinVar:

ClinVar aggregate classification (germline): Uncertain significance (1 of 4 stars; one submission).

Conditions:
Capillary malformation-arteriovenous malformation syndrome. Also called: Capillary malformation-arteriovenous malformation. Identifiers: Orphanet 137667, MedGen C1842180, MONDO:0012016.

gnomAD v4.1: 5 of 1,613,858 alleles (0.00031%); highest among the groups gnomAD compares: Middle Eastern, 0.049%; no homozygotes.

Submission:

Labcorp Genetics (formerly Invitae), Labcorp
Classification: Uncertain significance for Capillary malformation-arteriovenous malformation syndrome. Last evaluated: 2024-02-05. Review status: criteria provided, single submitter. Criteria: Invitae Variant Classification Sherloc (09022015). Collection method: clinical testing. Allele origin: germline.
Comment: This sequence change replaces leucine, which is neutral and non-polar, with arginine, which is basic and polar, at codon 128 of the RASA1 protein (p.Leu128Arg). This variant is present in population databases (no rsID available, gnomAD no frequency). This variant has not been reported in the literature in individuals affected with RASA1-related conditions. An algorithm developed to predict the effect of missense changes on protein structure and function (PolyPhen-2) suggests that this variant is likely to be disruptive. In summary, the available evidence is currently insufficient to determine the role of this variant in disease. Therefore, it has been classified as a Variant of Uncertain Significance.

NM_002890.3(RASA1):c.383T>G (p.Leu128Arg)

Gene: RASA1 (RAS p21 protein activator 1; plus strand). Cytogenetic location: 5q14.3.
Variant type: single nucleotide variant.
Coding change: c.383T>G on transcript NM_002890.3 (MANE Select); coding-DNA position 383, T replaced by G.
Protein change: p.Leu128Arg; replaces leucine 128 with arginine.
Molecular consequence: missense variant.
Genome position (GRCh38, 1-based): chr5:87,268,834, T>G. VCF-style: chr5-87268834-T-G. GRCh37 (hg19) VCF-style: chr5-86564651-T-G.
Other names: short protein forms L128R.
Identifiers: ClinVar variation 3626213 (VCV003626213.2).